The following is an entry in ClinVar:

ClinVar aggregate classification (germline): Pathogenic (1 of 4 stars; one submission).

Conditions:
Early-infantile DEE. Also called: Early infantile epileptic encephalopathy; Ohtahara syndrome; Early infantile epileptic encephalopathy with suppression bursts. Identifiers: Orphanet 1934, MedGen C0393706, MONDO:0800491.

Submission:

Labcorp Genetics (formerly Invitae), Labcorp
Classification: Pathogenic for Early-infantile DEE. Last evaluated: 2019-08-13. Review status: criteria provided, single submitter. Criteria: Invitae Variant Classification Sherloc (09022015). Collection method: clinical testing. Allele origin: germline.
Comment: Loss-of-function variants in KCNQ2 are known to be pathogenic (PMID: 14534157, 23692823, 27779742). For these reasons, this variant has been classified as Pathogenic. This variant has not been reported in the literature in individuals with KCNQ2-related conditions. This variant is not present in population databases (ExAC no frequency). This sequence change creates a premature translational stop signal (p.Lys453Glnfs*68) in the KCNQ2 gene. It is expected to result in an absent or disrupted protein product.

Literature cited by the submitters: PubMed 14534157; PubMed 23692823; PubMed 27779742.

NM_172107.4(KCNQ2):c.1356dup (p.Lys453fs)

Gene: KCNQ2 (potassium voltage-gated channel subfamily Q member 2; minus strand). Cytogenetic location: 20q13.33.
Variant type: Duplication.
Coding change: c.1356dup on transcript NM_172107.4 (MANE Select); coding-DNA position 1356, one base duplicated (C; older notation c.1356dupC).
Protein change: p.Lys453fs; shifts the reading frame from lysine 453.
Molecular consequence: frameshift variant.
Genome position (GRCh38, 1-based): chr20:63,415,072, G duplicated on the plus strand (C on the coding strand, the reverse complement: KCNQ2 is on the minus strand); the first of 2 consecutive G bases (chr20:63,415,072-63,415,073); duplicating either gives the same sequence. VCF-style (leftmost placement, unchanged base first): chr20-63415071-T-TG. GRCh37 (hg19) VCF-style: chr20-62046424-T-TG.
Other names: c.1302dup, p.Lys435fs (NM_001382235.1, NM_172106.3); c.1272dup, p.Lys425fs (NM_004518.6); c.1266dup, p.Lys423fs (NM_172108.5); short protein forms K453fs, K423fs, K425fs, K435fs.
Identifiers: ClinVar variation 949396 (VCV000949396.8), dbSNP rs2080245264, ClinGen allele CA1139666780.